The following is an entry in ClinVar:

ClinVar aggregate classification (germline): Uncertain significance (1 of 4 stars; one submission).

Conditions:
Cardiovascular phenotype. Identifiers: MedGen CN230736.
Hereditary cancer-predisposing syndrome. Also called: Hereditary Cancer Syndrome; Hereditary neoplastic syndrome; Neoplastic Syndromes, Hereditary; Tumor predisposition. Identifiers: Orphanet 140162, MedGen C0027672, MeSH D009386, MONDO:0015356.

Submission:

Ambry Genetics
Classification: Uncertain significance for Cardiovascular phenotype; Hereditary cancer-predisposing syndrome. Last evaluated: 2022-04-08. Review status: criteria provided, single submitter. Criteria: Ambry Variant Classification Scheme 2023. Collection method: clinical testing. Allele origin: germline.
Comment: The p.D2055Y variant (also known as c.6163G>T), located in coding exon 41 of the NF1 gene, results from a G to T substitution at nucleotide position 6163. The aspartic acid at codon 2055 is replaced by tyrosine, an amino acid with highly dissimilar properties. This amino acid position is highly conserved in available vertebrate species. In addition, the in silico prediction for this alteration is inconclusive. Since supporting evidence is limited at this time, the clinical significance of this alteration remains unclear.

NM_001042492.3(NF1):c.6226G>T (p.Asp2076Tyr)

Gene: NF1 (neurofibromin 1; plus strand). Cytogenetic location: 17q11.2.
Variant type: single nucleotide variant.
Coding change: c.6226G>T on transcript NM_001042492.3 (MANE Select); coding-DNA position 6226, G replaced by T.
Protein change: p.Asp2076Tyr; replaces aspartic acid 2076 with tyrosine.
Molecular consequence: missense variant.
Genome position (GRCh38, 1-based): chr17:31,336,713, G>T. VCF-style: chr17-31336713-G-T. GRCh37 (hg19) VCF-style: chr17-29663731-G-T.
Other names: c.6163G>T, p.Asp2055Tyr (NM_000267.4); short protein forms D2055Y, D2076Y.
Identifiers: ClinVar variation 1751966 (VCV001751966.2), dbSNP rs2151554515, ClinGen allele CA399012006.
Genomic context (GRCh38, chr17:31,336,713, plus strand): 5'-AAAATAATTGACAAGACATGCTTATCTCCAACTCCTACTTTAGAACAACATCTTATGTGG[G>T]ATGATATTGCTATTTTAGCACGCTACATGCTGATGCTGTCCTTCAACAATTCCCTTGATG-3'
Protein context (NP_001035957.1, residues 2066-2086): TPTLEQHLMW[Asp2076Tyr]DIAILARYML